The following is an entry in ClinVar:

ClinVar aggregate classification (germline): Uncertain significance (0 of 4 stars; one submission).

Conditions:
SNAP29-related disorder. Also called: SNAP29-related condition.

gnomAD v4.1: 9 of 1,613,006 alleles (0.00056%); highest among the groups gnomAD compares: African/African-American, 0.0067%; no homozygotes.

Submission:

PreventionGenetics, part of Exact Sciences
Classification: Uncertain significance for SNAP29-related condition. Last evaluated: 2024-07-27. Review status: no assertion criteria provided. Collection method: clinical testing. Allele origin: germline.
Comment: The SNAP29 c.193G>A variant is predicted to result in the amino acid substitution p.Ala65Thr. To our knowledge, this variant has not been reported in the literature. This variant is reported in 0.0% of alleles in individuals of African descent in gnomAD. At this time, the clinical significance of this variant is uncertain due to the absence of conclusive functional and genetic evidence.

NM_004782.4(SNAP29):c.193G>A (p.Ala65Thr)

Gene: SNAP29 (synaptosome associated protein 29; plus strand). Cytogenetic location: 22q11.21.
Variant type: single nucleotide variant.
Coding change: c.193G>A on transcript NM_004782.4 (MANE Select); coding-DNA position 193, G replaced by A.
Protein change: p.Ala65Thr; replaces alanine 65 with threonine.
Molecular consequence: missense variant.
Genome position (GRCh38, 1-based): chr22:20,859,303, G>A. VCF-style: chr22-20859303-G-A. GRCh37 (hg19) VCF-style: chr22-21213591-G-A.
Other names: short protein forms A65T.
Identifiers: ClinVar variation 3353188 (VCV003353188.1).